The following is an entry in ClinVar:

NM_001244008.2(KIF1A):c.4981C>T (p.Gln1661Ter)

Gene: KIF1A (kinesin family member 1A; minus strand). Cytogenetic location: 2q37.3.
Variant type: single nucleotide variant.
Coding change: c.4981C>T on transcript NM_001244008.2 (MANE Select); coding-DNA position 4981, C replaced by T.
Protein change: p.Gln1661Ter; replaces glutamine 1661 with a stop codon.
Molecular consequence: nonsense.
Genome position (GRCh38, 1-based): chr2:240,719,814, G>A on the plus strand (C>T on the coding strand, the complement: KIF1A is on the minus strand). VCF-style: chr2-240719814-G-A. GRCh37 (hg19) VCF-style: chr2-241659231-G-A.
Other names: c.4705C>T, p.Gln1569Ter (NM_001320705.2, NM_001379649.1); c.4732C>T, p.Gln1578Ter (NM_001330289.2); c.4780C>T, p.Gln1594Ter (NM_001330290.2, NM_001379648.1); c.5056C>T, p.Gln1686Ter (NM_001379631.1); c.4957C>T, p.Gln1653Ter (NM_001379632.1); c.4954C>T, p.Gln1652Ter (NM_001379633.1, NM_001379645.1); c.4807C>T, p.Gln1603Ter (NM_001379634.1); c.4804C>T, p.Gln1602Ter (NM_001379635.1, NM_001379646.1); and 7 more; short protein forms Q1560*, Q1594*, Q1578*, Q1569*, Q1661*, Q1559*, Q1568*, Q1577*.
Identifiers: ClinVar variation 664959 (VCV000664959.7), dbSNP rs1575514086, ClinGen allele CA351300220.

ClinVar aggregate classification (germline): Pathogenic (1 of 4 stars; one submission).

Conditions:
Hereditary spastic paraplegia 30. Identifiers: Orphanet 101010, MedGen C5235139, MONDO:0012476.
Intellectual disability, autosomal dominant 9 (NESCAVS). Also called: NESCAV SYNDROME; KIF1A-Related Neurodevelopmental Disorder. Identifiers: Orphanet 662367, MedGen C5393830, MONDO:0013656, OMIM 614255.
Neuropathy, hereditary sensory, type 2C. Also called: Hereditary sensory and autonomic neuropathy type IIC; KIF1A-Related HSAN2 (HSAN2C). Identifiers: Orphanet 970, MedGen C3280168, MONDO:0013634, OMIM 614213.

Submission:

Labcorp Genetics (formerly Invitae), Labcorp
Classification: Pathogenic for Hereditary spastic paraplegia 30; Neuropathy, hereditary sensory, type 2C; Intellectual disability, autosomal dominant 9. Last evaluated: 2024-03-14. Review status: criteria provided, single submitter. Criteria: Invitae Variant Classification Sherloc (09022015). Collection method: clinical testing. Allele origin: germline.
Comment: This sequence change creates a premature translational stop signal (p.Gln1560*) in the KIF1A gene. It is expected to result in an absent or disrupted protein product. Loss-of-function variants in KIF1A are known to be pathogenic (PMID: 21820098). This variant is not present in population databases (gnomAD no frequency). This variant has not been reported in the literature in individuals affected with KIF1A-related conditions. ClinVar contains an entry for this variant (Variation ID: 664959). For these reasons, this variant has been classified as Pathogenic.

Literature cited by the submitters: PubMed 21820098.